The following is an entry in ClinVar:

NM_000404.4(GLB1):c.531_534del (p.Gly178fs)

Gene: GLB1 (galactosidase beta 1; minus strand). Cytogenetic location: 3p22.3.
Variant type: Deletion.
Coding change: c.531_534del on transcript NM_000404.4 (MANE Select); coding-DNA positions 531 to 534, 4 bases deleted (AGGG; older notation c.531_534delAGGG).
Protein change: p.Gly178fs; shifts the reading frame from glycine 178.
Molecular consequence: frameshift variant.
Genome position (GRCh38, 1-based): chr3:33,065,481-33,065,484, CCCT deleted on the plus strand (AGGG on the coding strand, the reverse complement: GLB1 is on the minus strand); deleting any 4 consecutive bases within chr3:33,065,481-33,065,486 gives the same sequence; the c. name uses the placement nearest the transcript's 3' end. VCF-style (leftmost placement, unchanged base first): chr3-33065480-GCCCT-G. GRCh37 (hg19) VCF-style: chr3-33106972-GCCCT-G.
Other names: c.531_534del (NM_000404.3); c.441_444del, p.Gly148fs (NM_001079811.3); c.319_322del, p.Arg107fs (NM_001135602.3); c.675_678del, p.Gly226fs (NM_001317040.2); c.531_534del, p.Gly178fs (NM_001393580.1); short protein forms G178fs, R107fs, G148fs, G226fs.
Identifiers: ClinVar variation 837229 (VCV000837229.8), dbSNP rs1559408259, ClinGen allele CA542195804.

ClinVar aggregate classification (germline): Pathogenic/Likely pathogenic. Review status: criteria provided, multiple submitters, no conflicts (2 of 4 stars). 3 submissions from 3 submitters: Pathogenic (1); Likely pathogenic (2). Last evaluated 2025-12-12.

Conditions:
Mucopolysaccharidosis, MPS-IV-B (MPS4B). Also called: Mucopolysaccharidosis type IV B; Mucopolysaccharidosis Type IVB; MORQUIO SYNDROME B; Mucopolysaccharidosis type IVB (Morquio); MPS IVB; Mucopolysaccharidosis Type IVB (Morquio B Disease). Identifiers: Orphanet 309310, Orphanet 582, MedGen C0086652, MONDO:0009660, OMIM 253010.
Infantile GM1 gangliosidosis. Also called: Gangliosidosis, Generalized GM1, Type 1; GM1-gangliosidosis, type I; Gangliosidosis, generalized GM1, infantile form; GLB1 deficiency; GM1 gangliosidosis type 1. Identifiers: Orphanet 354, Orphanet 79255, MedGen C0268271, MONDO:0009260, OMIM 230500.
GM1 gangliosidosis type 2. Also called: Gangliosidosis, Generalized GM1, Type 2; Juvenile GM>1< gangliosidosis; GM1-GANGLIOSIDOSIS, TYPE II; GANGLIOSIDOSIS, GENERALIZED GM1, JUVENILE TYPE; GANGLIOSIDOSIS, GENERALIZED GM1, TYPE II. Identifiers: Orphanet 354, Orphanet 79256, MedGen C0268272, MONDO:0009261, OMIM 230600.
GM1 gangliosidosis type 3. Also called: Gangliosidosis, Generalized GM1, Type 3; Beta-galactosidase deficiency; Adult GM1 gangliosidosis; Type 3 (adult) GM1 gangliosidosis; GM1-GANGLIOSIDOSIS, TYPE III; GANGLIOSIDOSIS, GENERALIZED GM1, ADULT TYPE. Identifiers: Orphanet 79257, MedGen C0268273, MONDO:0009262, OMIM 230650.
GM1 gangliosidosis. Identifiers: Orphanet 354, MedGen C0085131, MONDO:0018149.

Submissions (3):

Natera, Inc.
Classification: Likely pathogenic for Mucopolysaccharidosis, MPS-IV-B. Last evaluated: 2025-12-12. Review status: criteria provided, single submitter. Criteria: Natera Variant Classification Schema (03/2026). Collection method: clinical testing. Allele origin: germline.
Comment: The c.531_534del variant in GLB1 is a frameshift variant predicted to shift the reading frame beginning at codon 178 and leads to a stop codon 3 codons downstream. This variant is expected to result in nonsense mediated decay, truncation, or a dysfunctional protein product. This variant is rare in the general population with a frequency below the threshold expected for the associated phenotype(s). Given the available evidence, this variant is classified as Likely Pathogenic.

Fulgent Genetics
Classification: Likely pathogenic for Infantile GM1 gangliosidosis; GM1 gangliosidosis type 2; GM1 gangliosidosis type 3; Mucopolysaccharidosis, MPS-IV-B. Last evaluated: 2024-06-15. Review status: criteria provided, single submitter. Criteria: ACMG Guidelines, 2015. Collection method: clinical testing. Allele origin: germline.

Labcorp Genetics (formerly Invitae), Labcorp
Classification: Pathogenic for Mucopolysaccharidosis, MPS-IV-B; GM1 gangliosidosis. Last evaluated: 2019-12-05. Review status: criteria provided, single submitter. Criteria: Invitae Variant Classification Sherloc (09022015). Collection method: clinical testing. Allele origin: germline.
Comment: Loss-of-function variants in GLB1 are known to be pathogenic (PMID: 18524657). This variant has not been reported in the literature in individuals with GLB1-related conditions. This variant is not present in population databases (ExAC no frequency). This sequence change creates a premature translational stop signal (p.Gly178Glnfs*3) in the GLB1 gene. It is expected to result in an absent or disrupted protein product. For these reasons, this variant has been classified as Pathogenic.

Literature cited by the submitters: PubMed 18524657 (cited by Labcorp Genetics (formerly Invitae), Labcorp).